The following is an entry in ClinVar:

NM_000545.8(HNF1A):c.824A>C (p.Glu275Ala)

Gene: HNF1A (HNF1 homeobox A; plus strand). Cytogenetic location: 12q24.31.
Variant type: single nucleotide variant.
Coding change: c.824A>C on transcript NM_000545.8 (MANE Select); coding-DNA position 824, A replaced by C.
Protein change: p.Glu275Ala; replaces glutamic acid 275 with alanine.
Molecular consequence: missense variant.
Genome position (GRCh38, 1-based): chr12:120,994,274, A>C. VCF-style: chr12-120994274-A-C. GRCh37 (hg19) VCF-style: chr12-121432077-A-C.
Other names: NM_000545.8(HNF1A):c.824A>C; p.Glu275Ala; c.824A>C, p.Glu275Ala (NM_001306179.2); short protein forms E275A.
Identifiers: ClinVar variation 998284 (VCV000998284.5), dbSNP rs199890776, ClinGen allele CA6831836.

ClinVar aggregate classification (germline): Likely benign. Review status: reviewed by expert panel (3 of 4 stars). 4 submissions from 4 submitters: Likely benign (1). 3 of the submissions do not count toward it. Last evaluated 2026-06-11.

Conditions:
Type 1 diabetes mellitus 20 (T1D20). Also called: Diabetes mellitus, insulin-dependent, 20. Identifiers: MedGen C2675866, MONDO:0012919, OMIM 612520.
Monogenic diabetes. Identifiers: Orphanet 183625, MedGen C3888631, MONDO:0015967.

Allele frequency attached by ClinVar (database versions not stated): gnomAD 0.00003 and 0.00001; gnomAD exomes 0.00004 and 0.00002; 1000 Genomes Project 30x 0.00031; 1000 Genomes Project 0.00040; ExAC 0.00004; TOPMed 0.00002.
gnomAD v4.1: 66 of 1,613,446 alleles (0.0041%); highest among the groups gnomAD compares: Non-Finnish European, 0.0049%; no homozygotes.

Submissions (4):

ClinGen Monogenic Diabetes Variant Curation Expert Panel
Classification: Likely benign for Monogenic diabetes. Last evaluated: 2026-06-11. Review status: reviewed by expert panel. Criteria: ClinGen Diabetes ACMG Specifications HNF1A V3.1.0. Collection method: curation. Allele origin: germline. Inheritance: Autosomal dominant inheritance.
Comment: The c.824A>C variant in the HNF1 homeobox A gene, HNF1A, causes an amino acid change of glutamic acid to alanine at codon 275 (p.(Glu275Ala)) of NM_000545.8. This variant is predicted to be deleterious by computational evidence, with a REVEL score of 0.832, which is greater than the MDEP VCEP threshold of 0.70 (PP3). This variant is located within a conserved region of the DNA binding domain (codons 107-174 and 201-280) of HNF1A, which is defined as critical for the protein’s function by the ClinGen MDEP (PM1_Supporting). However, functional studies demonstrated the p.Glu275Ala protein has transactivation and nuclear localization above 75% of wildtype, indicating that this variant does not impact protein function (BS3_Supporting; PMID: 27899486). Additionally, this variant has a Grpmax Filtering allele frequency in gnomAD v4.1.0 of 0.00003857, which is greater than or equal to the MDEP threshold for BS1 (0.000033) (BS1). This variant was identified in two unrelated individuals with non-autoimmune and non-absolute/near-absolute insulin-deficient diabetes; however, PS4_Moderate cannot be applied because the variant does not meet PM2_Supporting cutoff, and PP4 cannot be applied as the MODY probability is unable to be calculated due to lack of clinical information (PMID: 29207974). In summary, c.824A>C meets the criteria to be classified as likely benign for monogenic diabetes. ACMG/AMP criteria applied, as specified by the ClinGen MDEP (specification version 3.1.0, approved 10/10/2025): BS1, BS3_Supporting, PM1_Supporting, PP3.

Women's Health and Genetics/Laboratory Corporation of America, LabCorp
Classification: Uncertain significance. Last evaluated: 2025-12-23. Review status: criteria provided, single submitter. Criteria: LabCorp Variant Classification Summary - May 2015. Collection method: clinical testing. Allele origin: germline. Not counted in ClinVar's aggregate classification.
Comment: Variant summary: HNF1A c.824A>C (p.Glu275Ala) results in a non-conservative amino acid change in the encoded protein sequence. Algorithms developed to predict the effect of missense changes on protein structure and function all suggest that this variant is likely to be disruptive. The variant allele was found at a frequency of 2e-05 in 248780 control chromosomes. The available data on variant occurrences in the general population are insufficient to allow any conclusion about variant significance. c.824A>C has been observed in individuals affected with Diabetes (Najmi_2016, Bansal_2017, Colclough_2022). These reports do not provide unequivocal conclusions about association of the variant with Maturity Onset Diabetes Of The Young 3. At least one publication reports experimental evidence evaluating an impact on protein function and this variant affects HNF1A function (Najmi_2016). The following publications have been ascertained in the context of this evaluation (PMID: 29207974, 34789499, 27899486). ClinVar contains an entry for this variant (Variation ID: 998284). Based on the evidence outlined above, the variant was classified as uncertain significance.

Labcorp Genetics (formerly Invitae), Labcorp
Classification: Uncertain significance. Last evaluated: 2024-10-02. Review status: criteria provided, single submitter. Criteria: Invitae Variant Classification Sherloc (09022015). Collection method: clinical testing. Allele origin: germline. Not counted in ClinVar's aggregate classification.
Comment: This sequence change replaces glutamic acid, which is acidic and polar, with alanine, which is neutral and non-polar, at codon 275 of the HNF1A protein (p.Glu275Ala). This variant is present in population databases (rs199890776, gnomAD 0.007%). This missense change has been observed in individual(s) with HNF1A-related conditions (PMID: 29207974, 34789499). ClinVar contains an entry for this variant (Variation ID: 998284). Invitae Evidence Modeling of protein sequence and biophysical properties (such as structural, functional, and spatial information, amino acid conservation, physicochemical variation, residue mobility, and thermodynamic stability) indicates that this missense variant is not expected to disrupt HNF1A protein function with a negative predictive value of 80%. Experimental studies have shown that this missense change affects HNF1A function (PMID: 27899486). In summary, the available evidence is currently insufficient to determine the role of this variant in disease. Therefore, it has been classified as a Variant of Uncertain Significance.

Baylor Genetics
Classification: Uncertain significance for Type 1 diabetes mellitus 20. Last evaluated: 2019-07-03. Review status: criteria provided, single submitter. Criteria: ACMG Guidelines, 2015. Collection method: clinical testing. Allele origin: maternal. Affected: yes. Study: CSER-TexasKidsCanSeq. Not counted in ClinVar's aggregate classification.
Comment: This variant was determined to be of uncertain significance according to ACMG Guidelines, 2015 [PMID:25741868].

Literature cited by the submitters: PubMed 27899486 (cited by 3 submitters); PubMed 29207974 (cited by 3 submitters); PubMed 34789499 (cited by Women's Health and Genetics/Laboratory Corporation of America, LabCorp and Labcorp Genetics (formerly Invitae), Labcorp).